The following is an entry in ClinVar:

ClinVar aggregate classification (germline): Uncertain significance. Review status: criteria provided, single submitter (1 of 4 stars). 2 submissions from 2 submitters: Uncertain significance (1). 1 of the submissions does not count toward it. Last evaluated 2023-05-04.

Conditions:
Inborn genetic diseases. Identifiers: MedGen C0950123, MeSH D030342.
FREM1-related disorder. Also called: FREM1-related condition; FREM1-Related Disorders.

Allele frequency attached by ClinVar (database versions not stated): gnomAD 0.00002; ESP Exome Variant Server 0.00008.
gnomAD v4.1: 3 of 1,613,184 alleles (0.00019%); highest among the groups gnomAD compares: African/African-American, 0.004%; no homozygotes.

Submissions (2):

Ambry Genetics
Classification: Uncertain significance for Inborn genetic diseases. Last evaluated: 2023-05-04. Review status: criteria provided, single submitter. Criteria: Ambry Variant Classification Scheme 2023. Collection method: clinical testing. Allele origin: germline.

PreventionGenetics, part of Exact Sciences
Classification: Uncertain significance for FREM1-related condition. Last evaluated: 2024-05-23. Review status: no assertion criteria provided. Collection method: clinical testing. Allele origin: germline. Not counted in ClinVar's aggregate classification.
Comment: The FREM1 c.353T>G variant is predicted to result in the amino acid substitution p.Ile118Arg. To our knowledge, this variant has not been reported in the literature. This variant is reported in 0.013% of alleles in individuals of African descent in gnomAD. At this time, the clinical significance of this variant is uncertain due to the absence of conclusive functional and genetic evidence.

NM_001379081.2(FREM1):c.353T>G (p.Ile118Arg)

Gene: FREM1 (FRAS1 related extracellular matrix 1; minus strand). Cytogenetic location: 9p22.3.
Variant type: single nucleotide variant.
Coding change: c.353T>G on transcript NM_001379081.2 (MANE Select); coding-DNA position 353, T replaced by G.
Protein change: p.Ile118Arg; replaces isoleucine 118 with arginine.
Molecular consequence: missense variant. On other transcripts: non-coding transcript variant (4).
Genome position (GRCh38, 1-based): chr9:14,859,461, A>C on the plus strand (T>G on the coding strand, the complement: FREM1 is on the minus strand). VCF-style: chr9-14859461-A-C. GRCh37 (hg19) VCF-style: chr9-14859459-A-C.
Other names: c.353T>G, p.Ile118Arg (NM_001370060.1, NM_001370063.1, NM_001370065.1 and 1 more transcripts); short protein forms I118R.
Identifiers: ClinVar variation 2543663 (VCV002543663.3), dbSNP rs375644504, ClinGen allele CA4991595.